The following is an entry in ClinVar:

ClinVar aggregate classification (germline): Uncertain significance (1 of 4 stars; one submission).

Submission:

Labcorp Genetics (formerly Invitae), Labcorp
Classification: Uncertain significance. Last evaluated: 2024-06-05. Review status: criteria provided, single submitter. Criteria: Invitae Variant Classification Sherloc (09022015). Collection method: clinical testing. Allele origin: germline.
Comment: This sequence change replaces glutamic acid, which is acidic and polar, with lysine, which is basic and polar, at codon 490 of the RIMS1 protein (p.Glu490Lys). This variant is not present in population databases (gnomAD no frequency). This variant has not been reported in the literature in individuals affected with RIMS1-related conditions. An algorithm developed to predict the effect of missense changes on protein structure and function (PolyPhen-2) suggests that this variant is likely to be disruptive. In summary, the available evidence is currently insufficient to determine the role of this variant in disease. Therefore, it has been classified as a Variant of Uncertain Significance.

NM_014989.7(RIMS1):c.1468G>A (p.Glu490Lys)

Gene: RIMS1 (regulating synaptic membrane exocytosis 1; plus strand). Cytogenetic location: 6q13.
Variant type: single nucleotide variant.
Coding change: c.1468G>A on transcript NM_014989.7 (MANE Select); coding-DNA position 1468, G replaced by A.
Protein change: p.Glu490Lys; replaces glutamic acid 490 with lysine.
Molecular consequence: missense variant.
Genome position (GRCh38, 1-based): chr6:72,182,939, G>A. VCF-style: chr6-72182939-G-A. GRCh37 (hg19) VCF-style: chr6-72892642-G-A.
Other names: short protein forms E490K.
Identifiers: ClinVar variation 3698205 (VCV003698205.2).